The following is an entry in ClinVar:

ClinVar aggregate classification (germline): Uncertain significance (1 of 4 stars; one submission).

Conditions:
Osteogenesis imperfecta type 8 (OI8). Identifiers: MedGen C1970458, MONDO:0012581, OMIM 610915.

Allele frequency attached by ClinVar (database versions not stated): ExAC 0.00002; TOPMed 0.00002; gnomAD exomes 0.00003 and 0.00001; gnomAD 0.00001.
gnomAD v4.1: 20 of 1,613,740 alleles (0.0012%); highest among the groups gnomAD compares: Admixed American, 0.012%; no homozygotes.

Submission:

Labcorp Genetics (formerly Invitae), Labcorp
Classification: Uncertain significance for Osteogenesis imperfecta type 8. Last evaluated: 2022-09-01. Review status: criteria provided, single submitter. Criteria: Invitae Variant Classification Sherloc (09022015). Collection method: clinical testing. Allele origin: germline.
Comment: This sequence change replaces arginine, which is basic and polar, with glutamine, which is neutral and polar, at codon 366 of the P3H1 protein (p.Arg366Gln). This variant is present in population databases (rs781162194, gnomAD 0.02%). This variant has not been reported in the literature in individuals affected with P3H1-related conditions. ClinVar contains an entry for this variant (Variation ID: 841210). Algorithms developed to predict the effect of missense changes on protein structure and function (SIFT, PolyPhen-2, Align-GVGD) all suggest that this variant is likely to be tolerated. In summary, the available evidence is currently insufficient to determine the role of this variant in disease. Therefore, it has been classified as a Variant of Uncertain Significance.

NM_022356.4(P3H1):c.1097G>A (p.Arg366Gln)

Gene: P3H1 (prolyl 3-hydroxylase 1; minus strand). Cytogenetic location: 1p34.2.
Variant type: single nucleotide variant.
Coding change: c.1097G>A on transcript NM_022356.4 (MANE Select); coding-DNA position 1097, G replaced by A.
Protein change: p.Arg366Gln; replaces arginine 366 with glutamine.
Molecular consequence: missense variant.
Genome position (GRCh38, 1-based): chr1:42,755,621, C>T on the plus strand (G>A on the coding strand, the complement: P3H1 is on the minus strand). VCF-style: chr1-42755621-C-T. GRCh37 (hg19) VCF-style: chr1-43221292-C-T.
Other names: c.1097G>A, p.Arg366Gln (NM_001146289.2, NM_001243246.2); short protein forms R366Q.
Identifiers: ClinVar variation 841210 (VCV000841210.5), dbSNP rs781162194, ClinGen allele CA801966.